The following is an entry in ClinVar:

ClinVar aggregate classification (germline): Pathogenic (1 of 4 stars; one submission).

Conditions:
Hereditary cancer-predisposing syndrome. Also called: Neoplastic Syndromes, Hereditary; Tumor predisposition; Hereditary neoplastic syndrome; Hereditary Cancer Syndrome. Identifiers: Orphanet 140162, MedGen C0027672, MeSH D009386, MONDO:0015356.

Submission:

Ambry Genetics
Classification: Pathogenic for Hereditary cancer-predisposing syndrome. Last evaluated: 2026-08-20. Review status: criteria provided, single submitter. Criteria: Ambry Variant Classification Scheme 2023. Collection method: clinical testing. Allele origin: germline.
Comment: The c.1497_1506del10 pathogenic mutation, located in coding exon 4 of the MSH6 gene, results from a deletion of 10 nucleotides at nucleotide positions 1497 to 1506, causing a translational frameshift with a predicted alternate stop codon (p.M499Ifs*8). This variant is considered to be rare based on population cohorts in the Genome Aggregation Database (gnomAD). This variant is expected to result in loss of function by premature protein truncation or nonsense-mediated mRNA decay. As such, this variant is interpreted as a disease-causing mutation.

NM_000179.3(MSH6):c.1497_1506del (p.Met499fs)

Gene: MSH6 (mutS homolog 6; plus strand). Cytogenetic location: 2p16.3.
Variant type: Deletion.
Coding change: c.1497_1506del on transcript NM_000179.3 (MANE Select); coding-DNA positions 1497 to 1506, 10 bases deleted (GGCACATATA; older notation c.1497_1506delGGCACATATA).
Protein change: p.Met499fs; shifts the reading frame from methionine 499.
Molecular consequence: frameshift variant. On other transcripts: non-coding transcript variant (4), intron variant (1).
Genome position (GRCh38, 1-based): chr2:47,799,480-47,799,489, GGCACATATA deleted. VCF-style (leftmost placement, unchanged base first): chr2-47799479-TGGCACATATA-T. GRCh37 (hg19) VCF-style: chr2-48026618-TGGCACATATA-T.
Other names: c.1200_1209del, p.Met400fs (NM_001406818.1, NM_001406819.1, NM_001406820.1 and 10 more transcripts); c.591_600del, p.Met197fs (NM_001406823.1, NM_001406829.1, NM_001281493.2 and 6 more transcripts); c.1329_1338del, p.Met443fs (NM_001406826.1); c.628-1186_628-1177del (NM_001407362.1); c.1107_1116del, p.Met369fs (NM_001281492.2); c.1593_1602del, p.Met531fs (NM_001406795.1, NM_001406802.1); c.1497_1506del, p.Met499fs (NM_001406796.1, NM_001406798.1, NM_001406800.1 and 4 more transcripts); c.972_981del, p.Met324fs (NM_001406799.1, NM_001406806.1, NM_001406807.1); and 3 more; short protein forms M443fs, M473fs, M499fs, M197fs, M400fs, M501fs, M369fs, M531fs.
Identifiers: ClinVar variation 5024931 (VCV005024931.1).